The following is an entry in ClinVar:

ClinVar aggregate classification (germline): Pathogenic (1 of 4 stars; one submission).

Conditions:
Familial hemophagocytic lymphohistiocytosis 3 (FHL3). Also called: UNC13D-Related Familial Hemophagocytic Lymphohistiocytosis (UNC13D-fHLH). Identifiers: Orphanet 540, MedGen C1837174, MONDO:0012146, OMIM 608898.

Submission:

3billion
Classification: Pathogenic for Familial hemophagocytic lymphohistiocytosis 3. Last evaluated: 2025-01-24. Review status: criteria provided, single submitter. Criteria: ACMG Guidelines, 2015. Collection method: clinical testing. Allele origin: germline. Affected: yes.
Comment: The variant is not observed in the gnomAD v4.1.0 dataset. Predicted Consequence/Location: Canonical splice site: predicted to alter splicing and result in a loss or disruption of normal protein function. Multiple pathogenic loss-of-function variants are reported downstream of the variant. In silico tools predict the variant to alter splicing and produce an abnormal transcript [SpliceAI: 1.00 (spliceogenicity >=0.2, non-spliceogenicity <0.1)]. Therefore, this variant is classified as Pathogenic according to the recommendation of ACMG/AMP guideline.

NM_199242.3(UNC13D):c.1597-1G>T

Gene: UNC13D (unc-13 homolog D; minus strand). Cytogenetic location: 17q25.1.
Variant type: single nucleotide variant.
Coding change: c.1597-1G>T on transcript NM_199242.3 (MANE Select); the canonical splice acceptor site of the intron before coding-DNA position 1597, G replaced by T.
Molecular consequence: splice acceptor variant.
Genome position (GRCh38, 1-based): chr17:75,835,778, C>A on the plus strand (G>T on the coding strand, the complement: UNC13D is on the minus strand). VCF-style: chr17-75835778-C-A. GRCh37 (hg19) VCF-style: chr17-73831859-C-A.
Identifiers: ClinVar variation 4292817 (VCV004292817.1).